The following is an entry in ClinVar:

ClinVar aggregate classification (germline): Likely benign (1 of 4 stars; one submission).

Conditions:
GPR75-related disorder. Also called: GPR75-related condition.

gnomAD v4.1: 2 of 1,614,092 alleles (0.00012%); highest among the groups gnomAD compares: Non-Finnish European, 0.00017%; no homozygotes.

Submission:

PreventionGenetics, part of Exact Sciences
Classification: Likely benign for GPR75-related condition. Last evaluated: 2025-07-14. Review status: criteria provided, single submitter. Criteria: ACMG Guidelines, 2015. Collection method: clinical testing. Allele origin: germline.
Comment: This variant is classified as likely benign based on ACMG/AMP sequence variant interpretation guidelines (Richards et al. 2015 PMID: 25741868, with internal and published modifications).

NM_006794.4(GPR75):c.702A>G (p.Gln234=)

Genes: GPR75 (G protein-coupled receptor 75; minus strand), GPR75-ASB3 (GPR75-ASB3 readthrough; minus strand). Cytogenetic location: 2p16.2.
Variant type: single nucleotide variant.
Coding change: c.702A>G on transcript NM_006794.4 (MANE Select); coding-DNA position 702, A replaced by G.
Protein change: p.Gln234=; no amino-acid change (glutamine 234 retained).
Molecular consequence: synonymous variant. On other transcripts: intron variant (1).
Genome position (GRCh38, 1-based): chr2:53,854,055, T>C on the plus strand (A>G on the coding strand, the complement: GPR75 is on the minus strand). VCF-style: chr2-53854055-T-C. GRCh37 (hg19) VCF-style: chr2-54081192-T-C.
Other names: c.101+5773A>G (NM_001164165.2).
Identifiers: ClinVar variation 4985647 (VCV004985647.1).